The following is an entry in ClinVar:

NM_000722.4(CACNA2D1):c.60C>T (p.Gly20=)

Gene: CACNA2D1 (calcium voltage-gated channel auxiliary subunit alpha2delta 1; minus strand). Cytogenetic location: 7q21.11.
Variant type: single nucleotide variant.
Coding change: c.60C>T on transcript NM_000722.4 (MANE Select); coding-DNA position 60, C replaced by T.
Protein change: p.Gly20=; no amino-acid change (glycine 20 retained).
Molecular consequence: synonymous variant.
Genome position (GRCh38, 1-based): chr7:82,443,400, G>A on the plus strand (C>T on the coding strand, the complement: CACNA2D1 is on the minus strand). VCF-style: chr7-82443400-G-A. GRCh37 (hg19) VCF-style: chr7-82072716-G-A.
Other names: c.60C>T, p.Gly20= (NM_001302890.2, NM_001366867.1).
Identifiers: ClinVar variation 668299 (VCV000668299.10), dbSNP rs780748693, ClinGen allele CA4318505.
Genomic context (GRCh38, chr7:82,443,400, plus strand): 5'-CTCCCTGCCCGGCCCGCCGACTTACGTGACGGCCGAAGGGAACGGCTCCTCCGACGAGGG[G>A]CCGATGAGCAAAGATTGGAAAAGTGTCAGAGTCAAGGCCAGCAGGCAGCCAGCAGCCATC-3'
Protein context (NP_000713.2, residues 10-30): TLTLFQSLLI[Gly20=]PSSEEPFPSA

ClinVar aggregate classification (germline): Likely benign. Review status: criteria provided, multiple submitters, no conflicts (2 of 4 stars). 3 submissions from 3 submitters: Likely benign (3). Last evaluated 2025-12-09.

Conditions:
Cardiovascular phenotype. Identifiers: MedGen CN230736.
Brugada syndrome. Also called: Sudden unexplained nocturnal death syndrome; Sudden Unexplained Death Syndrome; Sudden Unexplained Nocturnal Death Syndrome (SUNDS); Sudden unexpected nocturnal death syndrome. Identifiers: Orphanet 130, MedGen C1142166, MONDO:0015263.

Allele frequency attached by ClinVar (database versions not stated): gnomAD 0.00024 and 0.00023; gnomAD exomes 0.00002 and 0.00007; TOPMed 0.00031; ExAC 0.00001.
gnomAD v4.1: 63 of 1,605,992 alleles (0.0039%); highest among the groups gnomAD compares: Admixed American, 0.088%; 1 homozygote.

Submissions (3):

Labcorp Genetics (formerly Invitae), Labcorp
Classification: Likely benign for Brugada syndrome. Last evaluated: 2025-12-09. Review status: criteria provided, single submitter. Criteria: Invitae Variant Classification Sherloc (09022015). Collection method: clinical testing. Allele origin: germline.

Ambry Genetics
Classification: Likely benign for Cardiovascular phenotype. Last evaluated: 2022-07-25. Review status: criteria provided, single submitter. Criteria: Ambry Variant Classification Scheme 2023. Collection method: clinical testing. Allele origin: germline.

GeneDx
Classification: Likely benign. Last evaluated: 2018-05-14. Review status: criteria provided, single submitter. Criteria: GeneDx Variant Classification (06012015). Collection method: clinical testing. Allele origin: germline. Affected: yes.
Comment: This variant is considered likely benign or benign based on one or more of the following criteria: it is a conservative change, it occurs at a poorly conserved position in the protein, it is predicted to be benign by multiple in silico algorithms, and/or has population frequency not consistent with disease.